The following is an entry in ClinVar:

NM_001377265.1(MAPT):c.1326C>T (p.Pro442=)

Gene: MAPT (microtubule associated protein tau). Cytogenetic location: 17q21.31.
Variant type: single nucleotide variant.
Coding change: c.1326C>T on transcript NM_001377265.1 (MANE Select); coding-DNA position 1326, C replaced by T.
Protein change: p.Pro442=; no amino-acid change (proline 442 retained).
Molecular consequence: synonymous variant. On other transcripts: intron variant (8).
Genome position (GRCh38, 1-based): chr17:45,983,905, C>T. VCF-style: chr17-45983905-C-T. GRCh37 (hg19) VCF-style: chr17-44061271-C-T.
Other names: c.374-3135C>T (NM_005910.6, NM_001203252.2); c.287-3135C>T (NM_001123067.4, NM_001203251.2, NM_001377267.1); c.200-3135C>T (NM_016834.5, NM_016841.5, NM_001377268.1); c.1101C>T, p.Pro367= (NM_001123066.4, NM_016835.5); c.1326C>T, p.Pro442= (NM_001377266.1).
Identifiers: ClinVar variation 1209906 (VCV001209906.29), dbSNP rs201312701, ClinGen allele CA8617837.
Genomic context (GRCh38, chr17:45,983,905, plus strand): 5'-AGAGGCTGACCTTCCAGAGCCCTCTGAAAAGCAGCCTGCTGCTGCTCCGCGGGGGAAGCC[C>T]GTCAGCCGGGTCCCTCAACTCAAAGGTCTGTGTCTTGAGCTTCTTCGCTCCTTCCCTGGG-3'
Protein context (NP_001364194.1, residues 432-452): KQPAAAPRGK[Pro442=]VSRVPQLKAR

ClinVar aggregate classification (germline): Likely benign. Review status: criteria provided, single submitter (1 of 4 stars). 3 submissions from 3 submitters: Likely benign (1). 2 of the submissions do not count toward it. Last evaluated 2023-04-01.

Allele frequency attached by ClinVar (database versions not stated): ESP Exome Variant Server 0.00016; gnomAD 0.00017; gnomAD exomes 0.00023; ExAC 0.00032.
gnomAD v4.1: 283 of 1,579,434 alleles (0.018%); highest among the groups gnomAD compares: Non-Finnish European, 0.023%; no homozygotes.

Submissions (3):

CeGaT Center for Human Genetics Tuebingen
Classification: Likely benign. Last evaluated: 2023-04-01. Review status: criteria provided, single submitter. Criteria: CeGaT Center For Human Genetics Tuebingen Variant Classification Criteria Version 2. Collection method: clinical testing. Allele origin: germline. Affected: yes. Observed: 2 variant alleles.
Comment: MAPT: BP4, BP7

Clinical Genetics DNA and cytogenetics Diagnostics Lab, Erasmus MC, Erasmus Medical Center
Classification: Likely benign. Review status: no assertion criteria provided. Collection method: clinical testing. Allele origin: germline. Affected: yes. Study: VKGL Data-share Consensus. Not counted in ClinVar's aggregate classification.

Genome Diagnostics Laboratory, Amsterdam University Medical Center
Classification: Likely benign. Review status: no assertion criteria provided. Collection method: clinical testing. Allele origin: germline. Affected: yes. Study: VKGL Data-share Consensus. Not counted in ClinVar's aggregate classification.